The following is an entry in ClinVar:

NM_018127.7(ELAC2):c.1196T>G (p.Leu399Arg)

Gene: ELAC2 (elaC ribonuclease Z 2; minus strand). Cytogenetic location: 17p12.
Variant type: single nucleotide variant.
Coding change: c.1196T>G on transcript NM_018127.7 (MANE Select); coding-DNA position 1196, T replaced by G.
Protein change: p.Leu399Arg; replaces leucine 399 with arginine.
Molecular consequence: missense variant.
Genome position (GRCh38, 1-based): chr17:13,002,463, A>C on the plus strand (T>G on the coding strand, the complement: ELAC2 is on the minus strand). VCF-style: chr17-13002463-A-C. GRCh37 (hg19) VCF-style: chr17-12905780-A-C.
Other names: c.1076T>G, p.Leu359Arg (NM_001165962.2); c.1196T>G, p.Leu399Arg (NM_173717.2); short protein forms L359R, L399R.
Identifiers: ClinVar variation 4703850 (VCV004703850.1).

ClinVar aggregate classification (germline): Uncertain significance (1 of 4 stars; one submission).

Conditions:
Combined oxidative phosphorylation defect type 17. Also called: Combined oxidative phosphorylation deficiency 17. Identifiers: Orphanet 369913, MedGen C3809526, MONDO:0014190, OMIM 615440.

Submission:

Labcorp Genetics (formerly Invitae), Labcorp
Classification: Uncertain significance for Combined oxidative phosphorylation defect type 17. Last evaluated: 2025-05-13. Review status: criteria provided, single submitter. Criteria: Invitae Variant Classification Sherloc (09022015). Collection method: clinical testing. Allele origin: germline.
Comment: This sequence change replaces leucine, which is neutral and non-polar, with arginine, which is basic and polar, at codon 399 of the ELAC2 protein (p.Leu399Arg). This variant is not present in population databases (gnomAD no frequency). This variant has not been reported in the literature in individuals affected with ELAC2-related conditions. Invitae Evidence Modeling of protein sequence and biophysical properties (such as structural, functional, and spatial information, amino acid conservation, physicochemical variation, residue mobility, and thermodynamic stability) indicates that this missense variant is not expected to disrupt ELAC2 protein function with a negative predictive value of 80%. In summary, the available evidence is currently insufficient to determine the role of this variant in disease. Therefore, it has been classified as a Variant of Uncertain Significance.